The following is an entry in ClinVar:

NC_000005.10:g.112707412A>C

Gene: APC (APC regulator of Wnt signaling pathway; plus strand). Cytogenetic location: 5q22.2.
Variant type: single nucleotide variant.
Genome position: GRCh38 VCF-style: chr5-112707412-A-C. GRCh37 (hg19) VCF-style: chr5-112043109-A-C.
Identifiers: ClinVar variation 537680 (VCV000537680.7), dbSNP rs1012461653, ClinGen allele CA124924639.

ClinVar aggregate classification (germline): Uncertain significance (1 of 4 stars; one submission).

Conditions:
Familial adenomatous polyposis 1 (FAP1). Also called: FAMILIAL ADENOMATOUS POLYPOSIS 1, ATTENUATED; POLYPOSIS, ADENOMATOUS INTESTINAL. Identifiers: MedGen C2713442, MONDO:0021056, OMIM 175100. Disease mechanism: loss of function.

Submission:

Labcorp Genetics (formerly Invitae), Labcorp
Classification: Uncertain significance for Familial adenomatous polyposis 1. Last evaluated: 2025-11-05. Review status: criteria provided, single submitter. Criteria: Invitae Variant Classification Sherloc (09022015). Collection method: clinical testing. Allele origin: germline.
Comment: This variant occurs in a non-coding region of the APC gene. It does not change the encoded amino acid sequence of the APC protein. This variant is not present in population databases (gnomAD no frequency). This variant has not been reported in the literature in individuals affected with APC-related conditions. ClinVar contains an entry for this variant (Variation ID: 537680). Experimental studies and prediction algorithms are not available or were not evaluated, and the functional significance of this variant is currently unknown. In summary, the available evidence is currently insufficient to determine the role of this variant in disease. Therefore, it has been classified as a Variant of Uncertain Significance.